The following is an entry in ClinVar:

ClinVar aggregate classification (germline): Uncertain significance (1 of 4 stars; one submission).

Conditions:
Primary dilated cardiomyopathy (DCM). Also called: Dilated Cardiomyopathy. Identifiers: Orphanet 217604, MedGen C0007193, MeSH D002311, MONDO:0005021, HP:0001644. Inheritance: Various modes of inheritance.

gnomAD v4.1: 12 of 1,558,172 alleles (0.00077%); highest among the groups gnomAD compares: Middle Eastern, 0.05%; no homozygotes.

Submission:

Labcorp Genetics (formerly Invitae), Labcorp
Classification: Uncertain significance for Primary dilated cardiomyopathy. Last evaluated: 2024-07-30. Review status: criteria provided, single submitter. Criteria: Invitae Variant Classification Sherloc (09022015). Collection method: clinical testing. Allele origin: germline.
Comment: This sequence change replaces arginine, which is basic and polar, with leucine, which is neutral and non-polar, at codon 254 of the TXNRD2 protein (p.Arg254Leu). The frequency data for this variant in the population databases is considered unreliable, as metrics indicate poor data quality at this position in the gnomAD database. This variant has not been reported in the literature in individuals affected with TXNRD2-related conditions. Advanced modeling of protein sequence and biophysical properties (such as structural, functional, and spatial information, amino acid conservation, physicochemical variation, residue mobility, and thermodynamic stability) performed at Invitae indicates that this missense variant is expected to disrupt TXNRD2 protein function with a positive predictive value of 80%. In summary, the available evidence is currently insufficient to determine the role of this variant in disease. Therefore, it has been classified as a Variant of Uncertain Significance.

NM_006440.5(TXNRD2):c.761G>T (p.Arg254Leu)

Gene: TXNRD2 (thioredoxin reductase 2; minus strand). Cytogenetic location: 22q11.21.
Variant type: single nucleotide variant.
Coding change: c.761G>T on transcript NM_006440.5 (MANE Select); coding-DNA position 761, G replaced by T.
Protein change: p.Arg254Leu; replaces arginine 254 with leucine.
Molecular consequence: missense variant. On other transcripts: non-coding transcript variant (1).
Genome position (GRCh38, 1-based): chr22:19,898,052, C>A on the plus strand (G>T on the coding strand, the complement: TXNRD2 is on the minus strand). VCF-style: chr22-19898052-C-A. GRCh37 (hg19) VCF-style: chr22-19885575-C-A.
Other names: c.473G>T, p.Arg158Leu (NM_001352302.2); c.665G>T, p.Arg222Leu (NM_001352303.2); c.761G>T, p.Arg254Leu (NM_001282512.3); c.758G>T, p.Arg253Leu (NM_001352300.2); c.671G>T, p.Arg224Leu (NM_001352301.2); short protein forms R254L, R222L, R158L, R253L, R224L.
Identifiers: ClinVar variation 3636813 (VCV003636813.2).
Genomic context (GRCh38, chr22:19,898,052, plus strand): 5'-GAAGGCCTCAGAGCCACAGGGGCGGGAGCTGGGGCCTCCAGCACTACCTGGTCGAAGCCG[C>A]GGAGGGGGATGCTGCGCATCATGATGGTGGTGTCCAGCCCAATCCCGGTGAGGAAGCCAG-3'
Protein context (NP_006431.2, residues 244-264): TTIMMRSIPL[Arg254Leu]GFDQQMSSMV